The following is an entry in ClinVar:

NM_000218.3(KCNQ1):c.1394-21756C>T

Genes: KCNQ1 (potassium voltage-gated channel subfamily Q member 1; plus strand), KCNQ1OT1 (KCNQ1 opposite strand/antisense transcript 1; minus strand). Cytogenetic location: 11p15.5.
Variant type: single nucleotide variant.
Coding change: c.1394-21756C>T on transcript NM_000218.3 (MANE Select); 21756 bases into the intron before coding-DNA position 1394, C replaced by T.
Molecular consequence: intron variant.
Genome position (GRCh38, 1-based): chr11:2,640,205, C>T. VCF-style: chr11-2640205-C-T. GRCh37 (hg19) VCF-style: chr11-2661435-C-T.
Other names: c.1124-21756C>T (NM_001406837.1); c.1298-21756C>T (NM_001406836.1); c.854-21756C>T (NM_001406838.1); c.1013-21756C>T (NM_181798.2).
Identifiers: ClinVar variation 2582886 (VCV002582886.25), dbSNP rs766735745, ClinGen allele CA216153566.

ClinVar aggregate classification (germline): Likely benign (1 of 4 stars; one submission).

Allele frequency attached by ClinVar (database versions not stated): gnomAD 0.00027; TOPMed 0.00029; gnomAD exomes 0.00035.
gnomAD v4.1: 121 of 392,924 alleles (0.031%); highest among the groups gnomAD compares: Non-Finnish European, 0.048%; no homozygotes.

Submission:

CeGaT Center for Human Genetics Tuebingen
Classification: Likely benign. Last evaluated: 2025-06-01. Review status: criteria provided, single submitter. Criteria: CeGaT Center For Human Genetics Tuebingen Variant Classification Criteria Version 2. Collection method: clinical testing. Allele origin: germline. Affected: yes. Observed: 4 variant alleles.
Comment: KCNQ1OT1: BS1